The following is an entry in ClinVar:

ClinVar aggregate classification (germline): Benign (1 of 4 stars; one submission).

Conditions:
Melanoma-pancreatic cancer syndrome. Identifiers: Orphanet 404560, MedGen C1838547, MONDO:0011713, OMIM 606719. Disease mechanism: loss of function.

gnomAD v4.1: 6 of 1,533,226 alleles (0.00039%); highest among the groups gnomAD compares: Non-Finnish European, 0.00054%; no homozygotes.

Submission:

Myriad Genetics, Inc.
Classification: Benign for Melanoma-pancreatic cancer syndrome. Last evaluated: 2025-08-15. Review status: criteria provided, single submitter. Criteria: Myriad Autosomal Dominant, Autosomal Recessive and X-Linked Classification Criteria (2023). Collection method: clinical testing. Allele origin: unknown.
Comment: This variant is considered benign. This variant is intronic and is not expected to impact mRNA splicing.

NM_000077.5(CDKN2A):c.458-103A>T

Gene: CDKN2A (cyclin dependent kinase inhibitor 2A; minus strand). Cytogenetic location: 9p21.3.
Variant type: single nucleotide variant.
Coding change: c.458-103A>T on transcript NM_000077.5 (MANE Select); 103 bases into the intron before coding-DNA position 458, A replaced by T.
Molecular consequence: intron variant.
Genome position (GRCh38, 1-based): chr9:21,968,345, T>A on the plus strand (A>T on the coding strand, the complement: CDKN2A is on the minus strand). VCF-style: chr9-21968345-T-A. GRCh37 (hg19) VCF-style: chr9-21968344-T-A.
Other names: c.305-103A>T (NM_001363763.2); c.*102-103A>T (NM_058195.4); c.*151-103A>T (NM_001195132.2); c.*381-103A>T (NM_058197.5).
Identifiers: ClinVar variation 4294126 (VCV004294126.1).